The following is an entry in ClinVar:

ClinVar aggregate classification (germline): Benign. Review status: criteria provided, multiple submitters, no conflicts (2 of 4 stars). 3 submissions from 3 submitters: Benign (2). 1 of the submissions does not count toward it. Last evaluated 2019-12-31.

Conditions:
KIF26B-related disorder. Also called: KIF26B-related condition.

Allele frequency attached by ClinVar (database versions not stated): gnomAD exomes 0.00295; ExAC 0.00356; gnomAD 0.01117 and 0.01190; TOPMed 0.01220; ESP Exome Variant Server 0.01223; 1000 Genomes Project 0.01418; 1000 Genomes Project 30x 0.01499.
gnomAD v4.1: 3,465 of 1,611,728 alleles (0.21%); highest among the groups gnomAD compares: African/African-American, 3.8%; 63 homozygotes.

Submissions (3):

Labcorp Genetics (formerly Invitae), Labcorp
Classification: Benign. Last evaluated: 2019-12-31. Review status: criteria provided, single submitter. Criteria: Invitae Variant Classification Sherloc (09022015). Collection method: clinical testing. Allele origin: germline.

Breakthrough Genomics
Classification: Benign. Review status: criteria provided, single submitter. Criteria: ACMG Guidelines, 2015. Collection method: not provided. Allele origin: germline. Inheritance: Unknown mechanism. Affected: yes.

PreventionGenetics, part of Exact Sciences
Classification: Benign for KIF26B-related condition. Last evaluated: 2019-03-15. Review status: no assertion criteria provided. Collection method: clinical testing. Allele origin: germline. Not counted in ClinVar's aggregate classification.
Comment: This variant is classified as benign based on ACMG/AMP sequence variant interpretation guidelines (Richards et al. 2015 PMID: 25741868, with internal and published modifications).

NM_018012.4(KIF26B):c.2085C>T (p.Ser695=)

Gene: KIF26B (kinesin family member 26B; plus strand). Cytogenetic location: 1q44.
Variant type: single nucleotide variant.
Coding change: c.2085C>T on transcript NM_018012.4 (MANE Select); coding-DNA position 2085, C replaced by T.
Protein change: p.Ser695=; no amino-acid change (serine 695 retained).
Molecular consequence: synonymous variant.
Genome position (GRCh38, 1-based): chr1:245,611,963, C>T. VCF-style: chr1-245611963-C-T. GRCh37 (hg19) VCF-style: chr1-245775265-C-T.
Identifiers: ClinVar variation 791846 (VCV000791846.7), dbSNP rs61741293, ClinGen allele CA1487856.
Genomic context (GRCh38, chr1:245,611,963, plus strand): 5'-CCACCGCAACTCACACGTGTTCTTCACACTGCACATCTACCAGTACCGGATGGAGAAGAG[C>T]GGGAAAGGGGGAAGTAAGTCGGCCACTCCACCCTCCTGCCTCCTTAGCGGCTCTGGCCCC-3'
Protein context (NP_060482.2, residues 685-705): LHIYQYRMEK[Ser695=]GKGGMSGGRS